The following is an entry in ClinVar:

ClinVar aggregate classification (germline): Uncertain significance (1 of 4 stars; one submission).

Conditions:
Inborn genetic diseases. Identifiers: MedGen C0950123, MeSH D030342.

Submission:

Ambry Genetics
Classification: Uncertain significance for Inborn genetic diseases. Last evaluated: 2025-02-08. Review status: criteria provided, single submitter. Criteria: Ambry Variant Classification Scheme 2023. Collection method: clinical testing. Allele origin: germline.
Comment: The p.L608P variant (also known as c.1823T>C), located in coding exon 12 of the BMPR2 gene, results from a T to C substitution at nucleotide position 1823. The leucine at codon 608 is replaced by proline, an amino acid with similar properties. This amino acid position is conserved. In addition, the in silico prediction for this alteration is inconclusive. Based on the available evidence, the clinical significance of this variant remains unclear.

NM_001204.7(BMPR2):c.1823T>C (p.Leu608Pro)

Gene: BMPR2 (bone morphogenetic protein receptor type 2; plus strand). Cytogenetic location: 2q33.2.
Variant type: single nucleotide variant.
Coding change: c.1823T>C on transcript NM_001204.7 (MANE Select); coding-DNA position 1823, T replaced by C.
Protein change: p.Leu608Pro; replaces leucine 608 with proline.
Molecular consequence: missense variant.
Genome position (GRCh38, 1-based): chr2:202,555,488, T>C. VCF-style: chr2-202555488-T-C. GRCh37 (hg19) VCF-style: chr2-203420211-T-C.
Other names: short protein forms L608P.
Identifiers: ClinVar variation 3824890 (VCV003824890.1).
Genomic context (GRCh38, chr2:202,555,488, plus strand): 5'-ACTATGAACGACAGCAAGCACAAGCTCGAATCCCCAGCCCTGAAACAAGTGTCACCAGCC[T>C]CTCCACCAACACAACAACCACAAACACCACAGGACTCACGCCAAGTACTGGCATGACTAC-3'
Protein context (NP_001195.2, residues 598-618): IPSPETSVTS[Leu608Pro]STNTTTTNTT